The following is an entry in ClinVar:

NM_138711.6(PPARG):c.886G>A (p.Glu296Lys)

Gene: PPARG (peroxisome proliferator activated receptor gamma; plus strand). Cytogenetic location: 3p25.2.
Variant type: single nucleotide variant.
Coding change: c.886G>A on transcript NM_138711.6 (MANE Select); coding-DNA position 886, G replaced by A.
Protein change: p.Glu296Lys; replaces glutamic acid 296 with lysine.
Molecular consequence: missense variant. On other transcripts: intron variant (5).
Genome position (GRCh38, 1-based): chr3:12,416,860, G>A. VCF-style: chr3-12416860-G-A. GRCh37 (hg19) VCF-style: chr3-12458359-G-A.
Other names: c.886G>A, p.Glu296Lys (NM_001354666.3, NM_001354667.3, NM_001374263.2 and 3 more transcripts); c.259G>A, p.Glu87Lys (NM_001354669.2); c.976G>A, p.Glu326Lys (NM_015869.5); c.729+10779G>A (NM_001374261.3, NM_001374262.3, NM_001330615.4); c.653+10861G>A (NM_001374266.1); c.819+10779G>A (NM_001374265.1); short protein forms E87K, E326K, E296K.
Identifiers: ClinVar variation 4988802 (VCV004988802.1).

ClinVar aggregate classification (germline): Uncertain significance (1 of 4 stars; one submission).

Conditions:
PPARG-related disorder. Also called: PPARG-related disorders; PPARG-related condition.

gnomAD v4.1: 8 of 1,614,056 alleles (0.0005%); highest among the groups gnomAD compares: Admixed American, 0.01%; no homozygotes.

Submission:

PreventionGenetics, part of Exact Sciences
Classification: Uncertain significance for PPARG-related condition. Last evaluated: 2025-06-13. Review status: criteria provided, single submitter. Criteria: ACMG Guidelines, 2015. Collection method: clinical testing. Allele origin: germline.
Comment: The PPARG c.976G>A variant is predicted to result in the amino acid substitution p.Glu326Lys. This variant has been reported in an individual with type 2 diabetes mellitus (Majithia et al. 2014. PubMed ID: 25157153, Table 1). This variant is reported in 0.014% of alleles in individuals of Latino descent in gnomAD. At this time, the clinical significance of this variant is uncertain due to the absence of conclusive functional and genetic evidence.